The following is an entry in ClinVar:

ClinVar aggregate classification (germline): Benign/Likely benign. Review status: criteria provided, multiple submitters, no conflicts (2 of 4 stars). 4 submissions from 4 submitters: Benign (1); Likely benign (3). Last evaluated 2026-02-03.

Conditions:
Propionic acidemia (PROP). Also called: GLYCINEMIA, KETOTIC; HYPERGLYCINEMIA WITH KETOACIDOSIS AND LEUKOPENIA; KETOTIC HYPERGLYCINEMIA. Identifiers: Orphanet 35, MedGen C0268579, MONDO:0011628, OMIM 606054, HP:0003571.

Allele frequency attached by ClinVar (database versions not stated): 1000 Genomes Project 30x 0.00187; TOPMed 0.00190; gnomAD 0.00201; ESP Exome Variant Server 0.00208; 1000 Genomes Project 0.00220.
gnomAD v4.1: 552 of 1,605,404 alleles (0.034%); highest among the groups gnomAD compares: African/African-American, 0.67%; 3 homozygotes.

Submissions (4):

Labcorp Genetics (formerly Invitae), Labcorp
Classification: Benign for Propionic acidemia. Last evaluated: 2026-02-03. Review status: criteria provided, single submitter. Criteria: Invitae Variant Classification Sherloc (09022015). Collection method: clinical testing. Allele origin: germline.

GeneDx
Classification: Likely benign. Last evaluated: 2018-03-14. Review status: criteria provided, single submitter. Criteria: GeneDx Variant Classification (06012015). Collection method: clinical testing. Allele origin: germline. Affected: yes.
Comment: This variant is considered likely benign or benign based on one or more of the following criteria: it is a conservative change, it occurs at a poorly conserved position in the protein, it is predicted to be benign by multiple in silico algorithms, and/or has population frequency not consistent with disease.

Illumina Laboratory Services, Illumina
Classification: Likely benign for Propionic acidemia. Last evaluated: 2018-01-13. Review status: criteria provided, single submitter. Criteria: ICSL Variant Classification Criteria 13 December 2019. Collection method: clinical testing. Allele origin: germline.
Comment: This variant was observed in the ICSL laboratory as part of a predisposition screen in an ostensibly healthy population. It had not been previously curated by ICSL or reported in the Human Gene Mutation Database (HGMD: prior to June 1st, 2018), and was therefore a candidate for classification through an automated scoring system. Utilizing variant allele frequency, disease prevalence and penetrance estimates, and inheritance mode, an automated score was calculated to assess if this variant is too frequent to cause the disease. Based on the score and internal cut-off values, a variant classified as likely benign is not then subjected to further curation. The score for this variant resulted in a classification of likely benign for this disease.

Breakthrough Genomics
Classification: Likely benign. Review status: criteria provided, single submitter. Criteria: ACMG Guidelines, 2015. Collection method: not provided. Allele origin: germline. Inheritance: Autosomal recessive inheritance. Affected: yes.

NM_000282.4(PCCA):c.1257G>A (p.Gln419=)

Gene: PCCA (propionyl-CoA carboxylase subunit alpha; plus strand). Cytogenetic location: 13q32.3.
Variant type: single nucleotide variant.
Coding change: c.1257G>A on transcript NM_000282.4 (MANE Select); coding-DNA position 1257, G replaced by A.
Protein change: p.Gln419=; no amino-acid change (glutamine 419 retained).
Molecular consequence: synonymous variant. On other transcripts: non-coding transcript variant (5).
Genome position (GRCh38, 1-based): chr13:100,302,971, G>A. VCF-style: chr13-100302971-G-A. GRCh37 (hg19) VCF-style: chr13-100955225-G-A.
Other names: c.1179G>A, p.Gln393= (NM_001127692.3, NM_001352607.2); c.1257G>A, p.Gln419= (NM_001178004.2, NM_001352605.2, NM_001352609.2); c.1113G>A, p.Gln371= (NM_001352606.2); c.1035G>A, p.Gln345= (NM_001352608.2); c.312G>A, p.Gln104= (NM_001352610.2, NM_001352611.2); c.168G>A, p.Gln56= (NM_001352612.2).
Identifiers: ClinVar variation 386515 (VCV000386515.16), dbSNP rs147839487, ClinGen allele CA7033556.